The following is an entry in ClinVar:

NM_020312.4(COQ9):c.953G>A (p.Arg318Gln)

Gene: COQ9 (coenzyme Q9; plus strand). Cytogenetic location: 16q21.
Variant type: single nucleotide variant.
Coding change: c.953G>A on transcript NM_020312.4 (MANE Select); coding-DNA position 953, G replaced by A.
Protein change: p.Arg318Gln; replaces arginine 318 with glutamine.
Molecular consequence: missense variant.
Genome position (GRCh38, 1-based): chr16:57,460,620, G>A. VCF-style: chr16-57460620-G-A. GRCh37 (hg19) VCF-style: chr16-57494532-G-A.
Other names: short protein forms R318Q.
Identifiers: ClinVar variation 1905471 (VCV001905471.2), dbSNP rs778212075, ClinGen allele CA8076411.

ClinVar aggregate classification (germline): Uncertain significance (1 of 4 stars; one submission).

Allele frequency attached by ClinVar (database versions not stated): gnomAD 0.00001; TOPMed 0.00001.
gnomAD v4.1: 37 of 1,613,686 alleles (0.0023%); highest among the groups gnomAD compares: East Asian, 0.0067%; no homozygotes.

Submission:

Labcorp Genetics (formerly Invitae), Labcorp
Classification: Uncertain significance. Last evaluated: 2022-10-25. Review status: criteria provided, single submitter. Criteria: Invitae Variant Classification Sherloc (09022015). Collection method: clinical testing. Allele origin: germline.
Comment: This sequence change replaces arginine, which is basic and polar, with glutamine, which is neutral and polar, at codon 318 of the COQ9 protein (p.Arg318Gln). This variant is present in population databases (rs778212075, gnomAD 0.02%). This variant has not been reported in the literature in individuals affected with COQ9-related conditions. Algorithms developed to predict the effect of missense changes on protein structure and function are either unavailable or do not agree on the potential impact of this missense change (SIFT: "Deleterious"; PolyPhen-2: "Probably Damaging"; Align-GVGD: "Class C0"). In summary, the available evidence is currently insufficient to determine the role of this variant in disease. Therefore, it has been classified as a Variant of Uncertain Significance.